The following is an entry in ClinVar:

ClinVar aggregate classification (germline): Pathogenic (1 of 4 stars; one submission).

Conditions:
Congenital hyperammonemia, type I. Also called: Carbamoyl phosphate synthetase I deficiency disease; Carbamoyl phosphate synthetase 1 deficiency; Hyperammonemia due to carbamoyl phosphate synthetase 1 deficiency; CPS 1 deficiency; Carbamyl phosphate synthetase (CPS) deficiency; Carbamoyl-phosphate synthase I deficiency. Identifiers: Orphanet 147, MedGen C4082171, MONDO:0009376, OMIM 237300.

Submission:

MVZ Medizinische Genetik Mainz
Classification: Pathogenic for Congenital hyperammonemia, type I. Last evaluated: 2024-12-24. Review status: criteria provided, single submitter. Criteria: UK Practice Guidelines For Variant Classification V4 01 2020. Collection method: clinical testing. Allele origin: germline. Inheritance: Autosomal recessive inheritance. Affected: yes. Observed: 1 variant allele.
Comment: ACMG Criteria: PVS1,PM2_SUP,PP3

NM_001875.5(CPS1):c.2170_2172del (p.Ala724del)

Gene: CPS1 (carbamoyl-phosphate synthase 1; plus strand). Cytogenetic location: 2q34.
Variant type: Deletion.
Coding change: c.2170_2172del on transcript NM_001875.5 (MANE Select); coding-DNA positions 2170 to 2172, 3 bases deleted (GCT; older notation c.2170_2172delGCT).
Protein change: p.Ala724del; deletes alanine 724.
Molecular consequence: non-coding transcript variant (on NR_161225.1).
Genome position (GRCh38, 1-based): chr2:210,606,919-210,606,921, GCT deleted; deleting any 3 consecutive bases within chr2:210,606,917-210,606,921 gives the same sequence; the c. name uses the placement nearest the transcript's 3' end. VCF-style (leftmost placement, unchanged base first): chr2-210606916-TCTG-T. GRCh37 (hg19) VCF-style: chr2-211471640-TCTG-T.
Other names: c.2170_2172del, p.Ala724del (NM_001122633.3, NM_001369257.1); c.2203_2205del, p.Ala735del (NM_001369256.1); short protein forms A724del, A735del.
Identifiers: ClinVar variation 3601983 (VCV003601983.1).